The following is an entry in ClinVar:

NM_006996.3(SLC19A2):c.870C>T (p.Tyr290=)

Gene: SLC19A2 (solute carrier family 19 member 2; minus strand). Cytogenetic location: 1q24.2.
Variant type: single nucleotide variant.
Coding change: c.870C>T on transcript NM_006996.3 (MANE Select); coding-DNA position 870, C replaced by T.
Protein change: p.Tyr290=; no amino-acid change (tyrosine 290 retained).
Molecular consequence: synonymous variant.
Genome position (GRCh38, 1-based): chr1:169,470,124, G>A on the plus strand (C>T on the coding strand, the complement: SLC19A2 is on the minus strand). VCF-style: chr1-169470124-G-A. GRCh37 (hg19) VCF-style: chr1-169439362-G-A.
Other names: c.267C>T, p.Tyr89= (NM_001319667.1).
Identifiers: ClinVar variation 507354 (VCV000507354.4), dbSNP rs1553212054, ClinGen allele CA421730885.

ClinVar aggregate classification (germline): Likely benign. Review status: criteria provided, multiple submitters, no conflicts (2 of 4 stars). 2 submissions from 2 submitters: Likely benign (2). Last evaluated 2024-05-20.

Allele frequency attached by ClinVar (database versions not stated): gnomAD exomes below 0.00001; TOPMed below 0.00001.
gnomAD v4.1: 5 of 1,614,134 alleles (0.00031%); highest among the groups gnomAD compares: African/African-American, 0.0013%; no homozygotes.

Submissions (2):

Labcorp Genetics (formerly Invitae), Labcorp
Classification: Likely benign. Last evaluated: 2024-05-20. Review status: criteria provided, single submitter. Criteria: Invitae Variant Classification Sherloc (09022015). Collection method: clinical testing. Allele origin: germline.

GeneDx
Classification: Likely benign. Last evaluated: 2017-02-14. Review status: criteria provided, single submitter. Criteria: GeneDx Variant Classification (06012015). Collection method: clinical testing. Allele origin: germline. Affected: yes.
Comment: This variant is considered likely benign or benign based on one or more of the following criteria: it is a conservative change, it occurs at a poorly conserved position in the protein, it is predicted to be benign by multiple in silico algorithms, and/or has population frequency not consistent with disease.